The following is an entry in ClinVar:

ClinVar aggregate classification (germline): Uncertain significance (1 of 4 stars; one submission).

Submission:

Labcorp Genetics (formerly Invitae), Labcorp
Classification: Uncertain significance. Last evaluated: 2025-09-02. Review status: criteria provided, single submitter. Criteria: Invitae Variant Classification Sherloc (09022015). Collection method: clinical testing. Allele origin: germline.
Comment: This sequence change replaces valine, which is neutral and non-polar, with aspartic acid, which is acidic and polar, at codon 65 of the TMEM107 protein (p.Val65Asp). This variant is not present in population databases (gnomAD no frequency). This variant has not been reported in the literature in individuals affected with TMEM107-related conditions. ClinVar contains an entry for this variant (Variation ID: 2119011). An algorithm developed to predict the effect of missense changes on protein structure and function (PolyPhen-2) suggests that this variant is likely to be disruptive. In summary, the available evidence is currently insufficient to determine the role of this variant in disease. Therefore, it has been classified as a Variant of Uncertain Significance.

NM_183065.4(TMEM107):c.176T>A (p.Val59Asp)

Genes: TMEM107 (transmembrane protein 107; minus strand), LOC105371520 (uncharacterized LOC105371520; plus strand). Cytogenetic location: 17p13.1.
Variant type: single nucleotide variant.
Coding change: c.176T>A on transcript NM_183065.4 (MANE Select); coding-DNA position 176, T replaced by A.
Protein change: p.Val59Asp; replaces valine 59 with aspartic acid.
Molecular consequence: missense variant. On other transcripts: intron variant (1).
Genome position (GRCh38, 1-based): chr17:8,175,837, A>T on the plus strand (T>A on the coding strand, the complement: TMEM107 is on the minus strand). VCF-style: chr17-8175837-A-T. GRCh37 (hg19) VCF-style: chr17-8079155-A-T.
Other names: c.194T>A, p.Val65Asp (NM_001351278.2, NM_032354.5); c.176T>A, p.Val59Asp (NM_001351279.2); c.155+122T>A (NM_001351280.2); short protein forms V65D, V59D.
Identifiers: ClinVar variation 2119011 (VCV002119011.4), dbSNP rs2507722190, ClinGen allele CA397970548.
Genomic context (GRCh38, chr17:8,175,837, plus strand): 5'-TTGAACATGGAGACTCCTGAGAGGAAACCGGCCAGCTCCACTGCAAAGAGGCCCAGGGTG[A>T]CAGAGAGCGCGGCCACCAGCCTGCAGAGAGGAAGTGGACTGGCCCAGGCCTTTGGACTTA-3'
Protein context (NP_898888.1, residues 49-69): QDIQLVAALS[Val59Asp]TLGLFAVELA